The following is an entry in ClinVar:

ClinVar aggregate classification (germline): Likely benign. Review status: criteria provided, multiple submitters, no conflicts (2 of 4 stars). 2 submissions from 2 submitters: Likely benign (2). Last evaluated 2022-11-01.

Allele frequency attached by ClinVar (database versions not stated): gnomAD exomes below 0.00001.
gnomAD v4.1: 2 of 1,613,958 alleles (0.00012%); highest among the groups gnomAD compares: South Asian, 0.0011%; no homozygotes.

Submissions (2):

CeGaT Center for Human Genetics Tuebingen
Classification: Likely benign. Last evaluated: 2022-11-01. Review status: criteria provided, single submitter. Criteria: CeGaT Center For Human Genetics Tuebingen Variant Classification Criteria Version 2. Collection method: clinical testing. Allele origin: germline. Affected: yes. Observed: 1 variant allele.
Comment: RYR1: BP4, BP7

GeneDx
Classification: Likely benign. Last evaluated: 2017-11-13. Review status: criteria provided, single submitter. Criteria: GeneDx Variant Classification (06012015). Collection method: clinical testing. Allele origin: germline. Affected: yes.
Comment: This variant is considered likely benign or benign based on one or more of the following criteria: it is a conservative change, it occurs at a poorly conserved position in the protein, it is predicted to be benign by multiple in silico algorithms, and/or has population frequency not consistent with disease.

NM_000540.3(RYR1):c.11541G>A (p.Glu3847=)

Gene: RYR1 (ryanodine receptor 1; plus strand). Cytogenetic location: 19q13.2.
Variant type: single nucleotide variant.
Coding change: c.11541G>A on transcript NM_000540.3 (MANE Select); coding-DNA position 11541, G replaced by A.
Protein change: p.Glu3847=; no amino-acid change (glutamic acid 3847 retained).
Molecular consequence: synonymous variant.
Genome position (GRCh38, 1-based): chr19:38,536,021, G>A. VCF-style: chr19-38536021-G-A. GRCh37 (hg19) VCF-style: chr19-39026661-G-A.
Other names: c.11526G>A, p.Glu3842= (NM_001042723.2).
Identifiers: ClinVar variation 513336 (VCV000513336.25), dbSNP rs1386408853, ClinGen allele CA507241369.
Genomic context (GRCh38, chr19:38,536,021, plus strand): 5'-ATCACATACCCCCTATCTTTCCTTTCTTTTCCTCAGCGTCCTGGATCTCAATGCCTTTGA[G>A]AGACAGAACAAGGCCGAGGGGCTGGGCATGGTGAATGAGGATGGCACTGGTGAGGCCCTC-3'
Protein context (NP_000531.2, residues 3837-3857): TCSVLDLNAF[Glu3847=]RQNKAEGLGM